The following is an entry in ClinVar:

NM_001278116.2(L1CAM):c.595C>T (p.Leu199Phe)

Gene: L1CAM (L1 cell adhesion molecule; minus strand). Cytogenetic location: Xq28.
Variant type: single nucleotide variant.
Coding change: c.595C>T on transcript NM_001278116.2 (MANE Select); coding-DNA position 595, C replaced by T.
Protein change: p.Leu199Phe; replaces leucine 199 with phenylalanine.
Molecular consequence: missense variant.
Genome position (GRCh38, 1-based): chrX:153,870,889, G>A on the plus strand (C>T on the coding strand, the complement: L1CAM is on the minus strand). VCF-style: chrX-153870889-G-A. GRCh37 (hg19) VCF-style: chrX-153136344-G-A.
Other names: c.580C>T, p.Leu194Phe (NM_001143963.2); c.595C>T, p.Leu199Phe (NM_024003.3, NM_000425.5); c.595C>T (NM_000425.3); short protein forms L194F, L199F.
Identifiers: ClinVar variation 3026096 (VCV003026096.24), dbSNP rs1557092888, ClinGen allele CA415135480.

ClinVar aggregate classification (germline): Uncertain significance. Review status: criteria provided, multiple submitters, no conflicts (2 of 4 stars). 3 submissions from 3 submitters: Uncertain significance (3). Last evaluated 2024-11-26.

Conditions:
Spastic paraplegia. Identifiers: MedGen C0037772, HP:0001258.

Submissions (3):

Labcorp Genetics (formerly Invitae), Labcorp
Classification: Uncertain significance for Spastic paraplegia. Last evaluated: 2024-11-26. Review status: criteria provided, single submitter. Criteria: Invitae Variant Classification Sherloc (09022015). Collection method: clinical testing. Allele origin: germline.
Comment: This sequence change replaces leucine, which is neutral and non-polar, with phenylalanine, which is neutral and non-polar, at codon 199 of the L1CAM protein (p.Leu199Phe). This variant is not present in population databases (gnomAD no frequency). This variant has not been reported in the literature in individuals affected with L1CAM-related conditions. ClinVar contains an entry for this variant (Variation ID: 3026096). Invitae Evidence Modeling of protein sequence and biophysical properties (such as structural, functional, and spatial information, amino acid conservation, physicochemical variation, residue mobility, and thermodynamic stability) indicates that this missense variant is not expected to disrupt L1CAM protein function with a negative predictive value of 95%. In summary, the available evidence is currently insufficient to determine the role of this variant in disease. Therefore, it has been classified as a Variant of Uncertain Significance.

GeneDx
Classification: Uncertain significance. Last evaluated: 2024-09-16. Review status: criteria provided, single submitter. Criteria: GeneDx Variant Classification Process June 2021. Collection method: clinical testing. Allele origin: germline. Affected: yes.
Comment: Not observed at significant frequency in large population cohorts (gnomAD); In silico analysis indicates that this missense variant does not alter protein structure/function; Has not been previously published as pathogenic or benign to our knowledge; This variant is associated with the following publications: (PMID: 25641508)

CeGaT Center for Human Genetics Tuebingen
Classification: Uncertain significance. Last evaluated: 2023-12-01. Review status: criteria provided, single submitter. Criteria: CeGaT Center For Human Genetics Tuebingen Variant Classification Criteria Version 2. Collection method: clinical testing. Allele origin: germline. Affected: yes. Observed: 1 variant allele.
Comment: L1CAM: PM2